The following is an entry in ClinVar:

NM_020987.5(ANK3):c.1048G>A (p.Val350Ile)

Gene: ANK3 (ankyrin 3; minus strand). Cytogenetic location: 10q21.2.
Variant type: single nucleotide variant.
Coding change: c.1048G>A on transcript NM_020987.5 (MANE Select); coding-DNA position 1048, G replaced by A.
Protein change: p.Val350Ile; replaces valine 350 with isoleucine.
Molecular consequence: missense variant.
Genome position (GRCh38, 1-based): chr10:60,208,182, C>T on the plus strand (G>A on the coding strand, the complement: ANK3 is on the minus strand). VCF-style: chr10-60208182-C-T. GRCh37 (hg19) VCF-style: chr10-61967940-C-T.
Other names: c.1030G>A, p.Val344Ile (NM_001204403.2); c.997G>A, p.Val333Ile (NM_001204404.2); c.1048G>A, p.Val350Ile (NM_001320874.2); short protein forms V333I, V344I, V350I.
Identifiers: ClinVar variation 2901773 (VCV002901773.3), dbSNP rs762461317, ClinGen allele CA5513251.
Genomic context (GRCh38, chr10:60,208,182, plus strand): 5'-CAGTCAGGTAGTCATTGGTGACATCATCCACGGGTACATTATGCTGGAGGAGAAGCTGGA[C>T]GCAGTTTAAATGATCCCCTTGTGTGGCCATGTGCAATGGAGATAATCCATTCTGGAACAC-3'
Protein context (NP_066267.2, residues 340-360): MATQGDHLNC[Val350Ile]QLLLQHNVPV

ClinVar aggregate classification (germline): Uncertain significance (1 of 4 stars; one submission).

Allele frequency attached by ClinVar (database versions not stated): ExAC 0.00001; TOPMed 0.00002; gnomAD 0.00003; gnomAD exomes 0.00003.
gnomAD v4.1: 56 of 1,613,980 alleles (0.0035%); highest among the groups gnomAD compares: South Asian, 0.0044%; no homozygotes.

Submission:

Labcorp Genetics (formerly Invitae), Labcorp
Classification: Uncertain significance. Last evaluated: 2023-04-10. Review status: criteria provided, single submitter. Criteria: Invitae Variant Classification Sherloc (09022015). Collection method: clinical testing. Allele origin: germline.
Comment: In summary, the available evidence is currently insufficient to determine the role of this variant in disease. Therefore, it has been classified as a Variant of Uncertain Significance. This variant is present in population databases (rs762461317, gnomAD 0.008%). This variant has not been reported in the literature in individuals affected with ANK3-related conditions. Advanced modeling of protein sequence and biophysical properties (such as structural, functional, and spatial information, amino acid conservation, physicochemical variation, residue mobility, and thermodynamic stability) performed at Invitae indicates that this missense variant is not expected to disrupt ANK3 protein function. This sequence change replaces valine, which is neutral and non-polar, with isoleucine, which is neutral and non-polar, at codon 350 of the ANK3 protein (p.Val350Ile).